The following is an entry in ClinVar:

NM_013373.4(ZDHHC8):c.1782C>T (p.Ser594=)

Gene: ZDHHC8 (zDHHC palmitoyltransferase 8; plus strand). Cytogenetic location: 22q11.21.
Variant type: single nucleotide variant.
Coding change: c.1782C>T on transcript NM_013373.4 (MANE Select); coding-DNA position 1782, C replaced by T.
Protein change: p.Ser594=; no amino-acid change (serine 594 retained).
Molecular consequence: synonymous variant.
Genome position (GRCh38, 1-based): chr22:20,143,412, C>T. VCF-style: chr22-20143412-C-T. GRCh37 (hg19) VCF-style: chr22-20130935-C-T.
Other names: c.1782C>T, p.Ser594= (NM_001185024.2).
Identifiers: ClinVar variation 4822192 (VCV004822192.4).
Genomic context (GRCh38, chr22:20,143,412, plus strand): 5'-CGACTCAGGCGTCTATGACGCTCCCAGCTCCTACAGCCTGCAGCAGGCCAGTGTGCTGTC[C>T]GAGGGCCCCCGAGGTCCCGCGCTGCGCTATGGCTCCAGAGACGACCTTGTGGCTGGGCCC-3'
Protein context (NP_037505.1, residues 584-604): SYSLQQASVL[Ser594=]EGPRGPALRY

ClinVar aggregate classification (germline): Likely benign (1 of 4 stars; one submission).

Submission:

CeGaT Center for Human Genetics Tuebingen
Classification: Likely benign. Last evaluated: 2026-03-01. Review status: criteria provided, single submitter. Criteria: CeGaT Center For Human Genetics Tuebingen Variant Classification Criteria Version 2. Collection method: clinical testing. Allele origin: germline. Affected: yes. Observed: 1 variant allele.
Comment: ZDHHC8: BP4, BP7